The following is an entry in ClinVar:

ClinVar aggregate classification (germline): Likely benign (0 of 4 stars; one submission).

Conditions:
SOX8-related disorder. Also called: SOX8-related condition.

Allele frequency attached by ClinVar (database versions not stated): ExAC 0.00041; 1000 Genomes Project 0.00140; 1000 Genomes Project 30x 0.00156; gnomAD 0.00188; ESP Exome Variant Server 0.00226.

Submission:

PreventionGenetics, part of Exact Sciences
Classification: Likely benign for SOX8-related condition. Last evaluated: 2019-04-11. Review status: no assertion criteria provided. Collection method: clinical testing. Allele origin: germline.
Comment: This variant is classified as likely benign based on ACMG/AMP sequence variant interpretation guidelines (Richards et al. 2015 PMID: 25741868, with internal and published modifications).

NM_014587.5(SOX8):c.978G>A (p.Ala326=)

Gene: SOX8 (SRY-box transcription factor 8; plus strand). Cytogenetic location: 16p13.3.
Variant type: single nucleotide variant.
Coding change: c.978G>A on transcript NM_014587.5 (MANE Select); coding-DNA position 978, G replaced by A.
Protein change: p.Ala326=; no amino-acid change (alanine 326 retained).
Molecular consequence: synonymous variant.
Genome position (GRCh38, 1-based): chr16:985,023, G>A. VCF-style: chr16-985023-G-A. GRCh37 (hg19) VCF-style: chr16-1035023-G-A.
Identifiers: ClinVar variation 3035204 (VCV003035204.2), dbSNP rs201343442, ClinGen allele CA7798300.